The following is an entry in ClinVar:

ClinVar aggregate classification (germline): Uncertain significance (1 of 4 stars; one submission).

Submission:

GeneDx
Classification: Uncertain significance. Last evaluated: 2022-03-07. Review status: criteria provided, single submitter. Criteria: GeneDx Variant Classification Process June 2021. Collection method: clinical testing. Allele origin: germline. Affected: yes.
Comment: Not observed at significant frequency in large population cohorts (gnomAD); In silico analysis supports that this missense variant does not alter protein structure/function; Has not been previously published as pathogenic or benign to our knowledge

NM_001378974.1(FBXW11):c.121A>C (p.Ser41Arg)

Gene: FBXW11 (F-box and WD repeat domain containing 11; minus strand). Cytogenetic location: 5q35.1.
Variant type: single nucleotide variant.
Coding change: c.121A>C on transcript NM_001378974.1 (MANE Select); coding-DNA position 121, A replaced by C.
Protein change: p.Ser41Arg; replaces serine 41 with arginine.
Molecular consequence: missense variant. On other transcripts: intron variant (5).
Genome position (GRCh38, 1-based): chr5:171,957,623, T>G on the plus strand (A>C on the coding strand, the complement: FBXW11 is on the minus strand). VCF-style: chr5-171957623-T-G. GRCh37 (hg19) VCF-style: chr5-171384627-T-G.
Other names: c.121A>C, p.Ser41Arg (NM_001378975.1, NM_012300.3); c.25A>C, p.Ser9Arg (NM_001378976.1, NM_001378979.1); c.46-46826A>C (NM_001378980.1, NM_033645.3); c.46-43218A>C (NM_033644.3); c.-13+39267A>C (NM_001378977.1); c.-12-43218A>C (NM_001378978.1); short protein forms S41R, S9R.
Identifiers: ClinVar variation 1704878 (VCV001704878.2), dbSNP rs2480014361, ClinGen allele CA362130037.
Genomic context (GRCh38, chr5:171,957,623, plus strand): 5'-AAAACACATTTACAACAAGAAAGAAGAGAGGCACCTGGAGACATCTGACACTGGGCATGC[T>G]CTGCAGGCAACTCAGTGCGCACATGCTCTCTACCAGGTTGGCGCAGCCTAGCCACAAAGA-3'
Protein context (NP_001365903.1, residues 31-51): ESMCALSCLQ[Ser41Arg]MPSVRCLQNT